The following is an entry in ClinVar:

ClinVar aggregate classification (germline): Uncertain significance (1 of 4 stars; one submission).

Submission:

GeneDx
Classification: Uncertain significance. Last evaluated: 2023-12-12. Review status: criteria provided, single submitter. Criteria: GeneDx Variant Classification Process June 2021. Collection method: clinical testing. Allele origin: germline. Affected: yes.
Comment: Not observed at significant frequency in large population cohorts (gnomAD); In silico analysis supports that this missense variant has a deleterious effect on protein structure/function; Has not been previously published as pathogenic or benign to our knowledge

NM_006941.4(SOX10):c.863A>G (p.Asn288Ser)

Genes: POLR2F (RNA polymerase II, I and III subunit F; plus strand), SOX10 (SRY-box transcription factor 10; minus strand). Cytogenetic location: 22q13.1.
Variant type: single nucleotide variant.
Coding change: c.863A>G on transcript NM_006941.4 (MANE Select); coding-DNA position 863, A replaced by G.
Protein change: p.Asn288Ser; replaces asparagine 288 with serine.
Molecular consequence: missense variant. On other transcripts: intron variant (3).
Genome position (GRCh38, 1-based): chr22:37,974,033, T>C on the plus strand (A>G on the coding strand, the complement: SOX10 is on the minus strand). VCF-style: chr22-37974033-T-C. GRCh37 (hg19) VCF-style: chr22-38370040-T-C.
Other names: c.*38+1723T>C (NM_001363825.1); c.293+6863T>C (NM_001301130.2, NM_001301131.2); short protein forms N288S.
Identifiers: ClinVar variation 3365664 (VCV003365664.1).